The following is an entry in ClinVar:

ClinVar aggregate classification (germline): Benign (1 of 4 stars; one submission).

Conditions:
MELAS syndrome (MELAS). Also called: Juvenile myopathy, encephalopathy, lactic acidosis, stroke. Identifiers: Orphanet 550, MedGen C0162671, MONDO:0010789, OMIM 540000.

Submission:

Wong Mito Lab, Molecular and Human Genetics, Baylor College of Medicine
Classification: Benign for MELAS syndrome. Last evaluated: 2019-07-12. Review status: criteria provided, single submitter. Criteria: Modified ACMG Guidelines (Unpublished). Collection method: clinical testing. Allele origin: germline.
Comment: The NC_012920.1:m.4394C>A variant in MT-TQ gene is interpreted to be a Benign variant based on the modified ACMG guidelines (unpublished). This variant meets the following evidence codes reported in the guidelines: BS1, BS4, BP4

Literature cited by the submitters: PubMed 31965079.

NC_012920.1(MT-TQ):m.4394C>A

Gene: MT-TQ (mitochondrially encoded tRNA glutamine; minus strand).
Variant type: single nucleotide variant.
Genome position: chrM-4394-C-A.
Identifiers: ClinVar variation 689905 (VCV000689905.1), dbSNP rs1603219441, ClinGen allele CA913177995.